The following is an entry in ClinVar:

NM_000492.4(CFTR):c.731T>C (p.Met244Thr)

Gene: CFTR (CF transmembrane conductance regulator; plus strand). Cytogenetic location: 7q31.2.
Variant type: single nucleotide variant.
Coding change: c.731T>C on transcript NM_000492.4 (MANE Select); coding-DNA position 731, T replaced by C.
Protein change: p.Met244Thr; replaces methionine 244 with threonine.
Molecular consequence: missense variant.
Genome position (GRCh38, 1-based): chr7:117,535,399, T>C. VCF-style: chr7-117535399-T-C. GRCh37 (hg19) VCF-style: chr7-117175453-T-C.
Other names: short protein forms M244T.
Identifiers: ClinVar variation 1758313 (VCV001758313.2), dbSNP rs397508790, ClinGen allele CA368977180.

ClinVar aggregate classification (germline): Uncertain significance (1 of 4 stars; one submission).

Conditions:
Cystic fibrosis (CF). Also called: MUCOVISCIDOSIS. Identifiers: Orphanet 586, MedGen C0010674, MONDO:0009061, OMIM 219700. Disease mechanism: loss of function.

Submission:

Ambry Genetics
Classification: Uncertain significance for Cystic fibrosis. Last evaluated: 2021-05-13. Review status: criteria provided, single submitter. Criteria: Ambry Variant Classification Scheme 2023. Collection method: clinical testing. Allele origin: germline.
Comment: The p.M244T variant (also known as c.731T>C), located in coding exon 6 of the CFTR gene, results from a T to C substitution at nucleotide position 731. The methionine at codon 244 is replaced by threonine, an amino acid with similar properties. This amino acid position is well conserved in available vertebrate species. In addition, this alteration is predicted to be deleterious by in silico analysis. Since supporting evidence is limited at this time, the clinical significance of this alteration remains unclear.